The following is an entry in ClinVar:

NM_018979.4(WNK1):c.6831+3A>G

Gene: WNK1 (WNK lysine deficient protein kinase 1; plus strand). Cytogenetic location: 12p13.33.
Variant type: single nucleotide variant.
Coding change: c.6831+3A>G on transcript NM_018979.4 (MANE Select); 3 bases into the intron after coding-DNA position 6831, A replaced by G.
Molecular consequence: intron variant.
Genome position (GRCh38, 1-based): chr12:908,037, A>G. VCF-style: chr12-908037-A-G. GRCh37 (hg19) VCF-style: chr12-1017203-A-G.
Other names: c.7587+3A>G (NM_213655.5); c.7611+3A>G (NM_001184985.2); c.6087+3A>G (NM_014823.3).
Identifiers: ClinVar variation 1391516 (VCV001391516.6), dbSNP rs1955848146, ClinGen allele CA2011729536.

ClinVar aggregate classification (germline): Uncertain significance (1 of 4 stars; one submission).

Conditions:
Neuropathy, hereditary sensory and autonomic, type 2A (HSAN2A). Also called: ACROOSTEOLYSIS, GIACCAI TYPE; ACROOSTEOLYSIS, NEUROGENIC; MORVAN DISEASE; NEUROPATHY, CONGENITAL SENSORY; NEUROPATHY, HEREDITARY SENSORY RADICULAR, AUTOSOMAL RECESSIVE; NEUROPATHY, HEREDITARY SENSORY, TYPE IIA. Identifiers: Orphanet 970, MedGen C2752089, MONDO:0024309, OMIM 201300.
Pseudohypoaldosteronism type 2C (PHA2C). Also called: Pseudohypoaldosteronism Type IIC. Identifiers: Orphanet 757, Orphanet 88940, MedGen C1840391, MONDO:0013778, OMIM 614492.

Allele frequency attached by ClinVar (database versions not stated): TOPMed below 0.00001; gnomAD exomes 0.00001.
gnomAD v4.1: 7 of 1,613,988 alleles (0.00043%); highest among the groups gnomAD compares: Non-Finnish European, 0.00059%; no homozygotes.

Submission:

Labcorp Genetics (formerly Invitae), Labcorp
Classification: Uncertain significance for Neuropathy, hereditary sensory and autonomic, type 2A; Pseudohypoaldosteronism type 2C. Last evaluated: 2024-02-12. Review status: criteria provided, single submitter. Criteria: Invitae Variant Classification Sherloc (09022015). Collection method: clinical testing. Allele origin: germline.
Comment: This sequence change falls in intron 27 of the WNK1 gene. It does not directly change the encoded amino acid sequence of the WNK1 protein. It affects a nucleotide within the consensus splice site. This variant is not present in population databases (gnomAD no frequency). This variant has not been reported in the literature in individuals affected with WNK1-related conditions. ClinVar contains an entry for this variant (Variation ID: 1391516). Variants that disrupt the consensus splice site are a relatively common cause of aberrant splicing (PMID: 17576681, 9536098). Algorithms developed to predict the effect of sequence changes on RNA splicing suggest that this variant is not likely to affect RNA splicing. In summary, the available evidence is currently insufficient to determine the role of this variant in disease. Therefore, it has been classified as a Variant of Uncertain Significance.

Literature cited by the submitters: PubMed 17576681; PubMed 9536098.